The following is an entry in ClinVar:

ClinVar aggregate classification (germline): Conflicting classifications of pathogenicity. Review status: criteria provided, conflicting classifications (1 of 4 stars). 3 submissions from 3 submitters: Uncertain significance (1); Likely benign (2). Last evaluated 2025-07-18.

Conditions:
Arrhythmogenic right ventricular dysplasia 8 (ARVD8). Also called: Arrhythmogenic Right Ventricular Dysplasia/Cardiomyopathy 8; ARRHYTHMOGENIC RIGHT VENTRICULAR DYSPLASIA, FAMILIAL, 8; ARRHYTHMOGENIC RIGHT VENTRICULAR CARDIOMYOPATHY 8. Identifiers: MedGen C1843896, MONDO:0011831, OMIM 607450.
Arrhythmogenic cardiomyopathy with wooly hair and keratoderma. Also called: Arrhythmogenic cardiomyopathy with woolly hair and keratoderma; PALMOPLANTAR KERATODERMA WITH LEFT VENTRICULAR CARDIOMYOPATHY AND WOOLLY HAIR; Dilated cardiomyopathy with woolly hair and keratoderma; Carvajal syndrome. Identifiers: Orphanet 65282, MedGen C1854063, MONDO:0011581, OMIM 605676.
Cardiovascular phenotype. Identifiers: MedGen CN230736.
Cardiomyopathy (CMYO). Also called: Cardiomyopathies. Identifiers: Orphanet 167848, MedGen C0878544, MONDO:0004994, HP:0001638. Inheritance: Various modes of inheritance.

Allele frequency attached by ClinVar (database versions not stated): TOPMed 0.00001.
gnomAD v4.1: 3 of 1,614,078 alleles (0.00019%); highest among the groups gnomAD compares: Non-Finnish European, 0.00025%; no homozygotes.

Submissions (3):

Color Diagnostics, LLC DBA Color Health
Classification: Likely benign for Cardiomyopathy. Last evaluated: 2025-07-18. Review status: criteria provided, single submitter. Criteria: ACMG Guidelines, 2015. Collection method: clinical testing. Allele origin: germline.

Ambry Genetics
Classification: Likely benign for Cardiovascular phenotype. Last evaluated: 2023-10-26. Review status: criteria provided, single submitter. Criteria: Ambry Variant Classification Scheme 2023. Collection method: clinical testing. Allele origin: germline.

Labcorp Genetics (formerly Invitae), Labcorp
Classification: Uncertain significance for Arrhythmogenic cardiomyopathy with wooly hair and keratoderma; Arrhythmogenic right ventricular dysplasia 8. Last evaluated: 2022-08-31. Review status: criteria provided, single submitter. Criteria: Invitae Variant Classification Sherloc (09022015). Collection method: clinical testing. Allele origin: germline.
Comment: This sequence change replaces alanine, which is neutral and non-polar, with serine, which is neutral and polar, at codon 1584 of the DSP protein (p.Ala1584Ser). This variant is not present in population databases (gnomAD no frequency). This variant has not been reported in the literature in individuals affected with DSP-related conditions. ClinVar contains an entry for this variant (Variation ID: 856903). Algorithms developed to predict the effect of missense changes on protein structure and function (SIFT, PolyPhen-2, Align-GVGD) all suggest that this variant is likely to be tolerated. In summary, the available evidence is currently insufficient to determine the role of this variant in disease. Therefore, it has been classified as a Variant of Uncertain Significance.

NM_004415.4(DSP):c.4750G>T (p.Ala1584Ser)

Gene: DSP (desmoplakin; plus strand). Cytogenetic location: 6p24.3.
Variant type: single nucleotide variant.
Coding change: c.4750G>T on transcript NM_004415.4 (MANE Select); coding-DNA position 4750, G replaced by T.
Protein change: p.Ala1584Ser; replaces alanine 1584 with serine.
Molecular consequence: missense variant. On other transcripts: intron variant (2).
Genome position (GRCh38, 1-based): chr6:7,580,940, G>T. VCF-style: chr6-7580940-G-T. GRCh37 (hg19) VCF-style: chr6-7581173-G-T.
Other names: c.4050+700G>T (NM_001319034.2); c.3582+1168G>T (NM_001008844.3); short protein forms A1584S.
Identifiers: ClinVar variation 856903 (VCV000856903.7), dbSNP rs191778417, ClinGen allele CA362687072.